The following is an entry in ClinVar:

ClinVar aggregate classification (germline): Likely pathogenic (1 of 4 stars; one submission).

Conditions:
Neurofibromatosis, type 1 (NF1). Also called: Neurofibromatosis, type I; VON RECKLINGHAUSEN DISEASE; Peripheral type neurofibromatosis; NEUROFIBROMATOSIS, TYPE I, SOMATIC. Identifiers: Orphanet 636, MedGen C0027831, MONDO:0018975, OMIM 162200. Disease mechanism: loss of function.

Submission:

Labcorp Genetics (formerly Invitae), Labcorp
Classification: Likely pathogenic for Neurofibromatosis, type 1. Last evaluated: 2019-12-12. Review status: criteria provided, single submitter. Criteria: Invitae Variant Classification Sherloc (09022015). Collection method: clinical testing. Allele origin: germline.
Comment: This variant results in the deletion of exon(s) 24-25 and part of exon 23 (c.3013_3315-232del) of the NF1 gene. It is expected to disrupt RNA splicing and likely results in an absent or disrupted protein product. This variant has not been reported in the literature in individuals with NF1-related conditions. Loss-of-function variants in NF1 are known to be pathogenic (PMID: 10712197, 23913538). In summary, the currently available evidence indicates that the variant is pathogenic, but additional data are needed to prove that conclusively. Therefore, this variant has been classified as Likely Pathogenic.

NM_001042492.3(NF1):c.3015_3315-230del

Gene: NF1 (neurofibromin 1; plus strand). Cytogenetic location: 17q11.2.
Variant type: Deletion.
Coding change: c.3015_3315-230del on transcript NM_001042492.3 (MANE Select); coding-DNA position 3015 through 230 bases into the intron before coding-DNA position 3315, 2,187 bases deleted.
Molecular consequence: splice acceptor variant, splice donor variant.
Genome position (GRCh38, 1-based): chr17:31,230,284-31,232,470, 2,187 bases deleted. GRCh37 (hg19): chr17:29,557,302-29,559,488.
Other names: c.3013_3315-232del (NM_000267.3); c.3015_3315-230del (NM_000267.4).
Identifiers: ClinVar variation 863944 (VCV000863944.2), ClinGen allele CA916080647.